The following is an entry in ClinVar:

NM_018163.3(DNAJC17):c.600+3C>T

Gene: DNAJC17 (DnaJ heat shock protein family (Hsp40) member C17; minus strand). Cytogenetic location: 15q15.1.
Variant type: single nucleotide variant.
Coding change: c.600+3C>T on transcript NM_018163.3 (MANE Select); 3 bases into the intron after coding-DNA position 600, C replaced by T.
Molecular consequence: intron variant.
Genome position (GRCh38, 1-based): chr15:40,775,028, G>A on the plus strand (C>T on the coding strand, the complement: DNAJC17 is on the minus strand). VCF-style: chr15-40775028-G-A. GRCh37 (hg19) VCF-style: chr15-41067226-G-A.
Identifiers: ClinVar variation 1918963 (VCV001918963.5), dbSNP rs199719413, ClinGen allele CA7485084.

ClinVar aggregate classification (germline): Uncertain significance (1 of 4 stars; one submission).

Allele frequency attached by ClinVar (database versions not stated): TOPMed 0.00001; ExAC 0.00002; gnomAD 0.00002; gnomAD exomes 0.00002; 1000 Genomes Project 30x 0.00016; 1000 Genomes Project 0.00020.
gnomAD v4.1: 31 of 1,614,046 alleles (0.0019%); highest among the groups gnomAD compares: South Asian, 0.0033%; no homozygotes.

Submission:

Labcorp Genetics (formerly Invitae), Labcorp
Classification: Uncertain significance. Last evaluated: 2022-09-26. Review status: criteria provided, single submitter. Criteria: Invitae Variant Classification Sherloc (09022015). Collection method: clinical testing. Allele origin: germline.
Comment: This sequence change falls in intron 8 of the DNAJC17 gene. It does not directly change the encoded amino acid sequence of the DNAJC17 protein. It affects a nucleotide within the consensus splice site. This variant is present in population databases (rs199719413, gnomAD 0.004%). This variant has not been reported in the literature in individuals affected with DNAJC17-related conditions. Variants that disrupt the consensus splice site are a relatively common cause of aberrant splicing (PMID: 17576681, 9536098). Algorithms developed to predict the effect of sequence changes on RNA splicing suggest that this variant may disrupt the consensus splice site. In summary, the available evidence is currently insufficient to determine the role of this variant in disease. Therefore, it has been classified as a Variant of Uncertain Significance.

Literature cited by the submitters: PubMed 17576681; PubMed 9536098.